The following is an entry in ClinVar:

NM_000059.4(BRCA2):c.554del (p.Gly185fs)

Gene: BRCA2 (BRCA2 DNA repair associated; plus strand). Cytogenetic location: 13q13.1.
Variant type: Deletion.
Coding change: c.554del on transcript NM_000059.4 (MANE Select); coding-DNA position 554, one base deleted (G; older notation c.554delG).
Protein change: p.Gly185fs; shifts the reading frame from glycine 185.
Molecular consequence: frameshift variant.
Genome position (GRCh38, 1-based): chr13:32,326,536, G deleted; the last of 2 consecutive G bases (chr13:32,326,535-32,326,536); deleting either gives the same sequence. VCF-style (leftmost placement, unchanged base first): chr13-32326534-AG-A. GRCh37 (hg19) VCF-style: chr13-32900671-AG-A.
Other names: short protein forms G185fs.
Identifiers: ClinVar variation 1451648 (VCV001451648.8), dbSNP rs2137452259, ClinGen allele CA2573149279.
Genomic context (GRCh38, chr13:32,326,534, plus strand): 5'-AATAAACTATTTTCTTTCCTCCCAGGGTCGTCAGACACCAAAACATATTTCTGAAAGTCT[AG>A]GAGCTGAGGTGGATCCTGATATGTCTTGGTCAAGTTCTTTAGCTACACCACCCACCCTTA-3'

ClinVar aggregate classification (germline): Pathogenic. Review status: criteria provided, multiple submitters, no conflicts (2 of 4 stars). 2 submissions from 2 submitters: Pathogenic (2). Last evaluated 2025-10-29.

Conditions:
Hereditary cancer-predisposing syndrome. Also called: Hereditary Cancer Syndrome; Hereditary neoplastic syndrome; Neoplastic Syndromes, Hereditary; Tumor predisposition. Identifiers: Orphanet 140162, MedGen C0027672, MeSH D009386, MONDO:0015356.
Hereditary breast ovarian cancer syndrome. Also called: BRCA1- and BRCA2-Associated Hereditary Breast and Ovarian Cancer; Hereditary breast and ovarian cancer; Hereditary breast and ovarian cancer syndrome (HBOC); Hereditary breast and/or ovarian cancer syndrome; Hereditary breast and ovarian cancer syndrome; Breast and ovarian cancer. Identifiers: Orphanet 145, MedGen C0677776, MeSH D061325, MONDO:0003582. Disease mechanism: loss of function.

Submissions (2):

Labcorp Genetics (formerly Invitae), Labcorp
Classification: Pathogenic for Hereditary breast ovarian cancer syndrome. Last evaluated: 2025-10-29. Review status: criteria provided, single submitter. Criteria: Invitae Variant Classification Sherloc (09022015). Collection method: clinical testing. Allele origin: germline.
Comment: This sequence change creates a premature translational stop signal (p.Gly185Glufs*14) in the BRCA2 gene. It is expected to result in an absent or disrupted protein product. Loss-of-function variants in BRCA2 are known to be pathogenic (PMID: 20104584). This variant is not present in population databases (gnomAD no frequency). This variant has not been reported in the literature in individuals affected with BRCA2-related conditions. ClinVar contains an entry for this variant (Variation ID: 1451648). Algorithms developed to predict the effect of sequence changes on RNA splicing suggest that this variant may disrupt the consensus splice site. For these reasons, this variant has been classified as Pathogenic.

Ambry Genetics
Classification: Pathogenic for Hereditary cancer-predisposing syndrome. Last evaluated: 2021-06-29. Review status: criteria provided, single submitter. Criteria: Ambry Variant Classification Scheme 2023. Collection method: clinical testing. Allele origin: germline.
Comment: The c.554delG pathogenic mutation, located in coding exon 6 of the BRCA2 gene, results from a deletion of one nucleotide at nucleotide position 554, causing a translational frameshift with a predicted alternate stop codon (p.G185Efs*14). This alteration is expected to result in loss of function by premature protein truncation or nonsense-mediated mRNA decay. As such, this alteration is interpreted as a disease-causing mutation.

Literature cited by the submitters: PubMed 20104584 (cited by Labcorp Genetics (formerly Invitae), Labcorp).